The following is an entry in ClinVar:

NM_001367949.2(FAT3):c.1194A>C (p.Val398=)

Gene: FAT3 (FAT atypical cadherin 3; plus strand). Cytogenetic location: 11q14.3.
Variant type: single nucleotide variant.
Coding change: c.1194A>C on transcript NM_001367949.2 (MANE Select); coding-DNA position 1194, A replaced by C.
Protein change: p.Val398=; no amino-acid change (valine 398 retained).
Molecular consequence: synonymous variant.
Genome position (GRCh38, 1-based): chr11:92,353,306, A>C. VCF-style: chr11-92353306-A-C. GRCh37 (hg19) VCF-style: chr11-92086472-A-C.
Other names: c.1194A>C, p.Val398= (NM_001008781.3, NM_001378141.1).
Identifiers: ClinVar variation 3052770 (VCV003052770.2), dbSNP rs139731877, ClinGen allele CA6226249.
Genomic context (GRCh38, chr11:92,353,306, plus strand): 5'-AGAAGTGTACGATGTGAGCATAAGTGAATTTTCCCCTCCTGGTGTCGTGGTTGCTATAGT[A>C]AAATTAAGTCCTGAACCGATAGATGTGGAATACAAATTATCTCCTGGTGAGGATGCAGTG-3'
Protein context (NP_001354878.1, residues 388-408): FSPPGVVVAI[Val398=]KLSPEPIDVE

ClinVar aggregate classification (germline): Likely benign (0 of 4 stars; one submission).

Conditions:
FAT3-related disorder. Also called: FAT3-related condition.

Allele frequency attached by ClinVar (database versions not stated): ExAC 0.00083; TOPMed 0.00089; gnomAD 0.00090; ESP Exome Variant Server 0.00125.
gnomAD v4.1: 1,654 of 1,613,680 alleles (0.1%); highest among the groups gnomAD compares: Admixed American, 0.13%; 1 homozygote.

Submission:

PreventionGenetics, part of Exact Sciences
Classification: Likely benign for FAT3-related condition. Last evaluated: 2019-12-18. Review status: no assertion criteria provided. Collection method: clinical testing. Allele origin: germline.
Comment: This variant is classified as likely benign based on ACMG/AMP sequence variant interpretation guidelines (Richards et al. 2015 PMID: 25741868, with internal and published modifications).